The following is an entry in ClinVar:

NM_000059.4(BRCA2):c.*172G>A

Gene: BRCA2 (BRCA2 DNA repair associated; plus strand). Cytogenetic location: 13q13.1.
Variant type: single nucleotide variant.
Coding change: c.*172G>A on transcript NM_000059.4 (MANE Select); 172 bases downstream of the stop codon, G replaced by A.
Molecular consequence: 3 prime UTR variant.
Genome position (GRCh38, 1-based): chr13:32,398,942, G>A. VCF-style: chr13-32398942-G-A. GRCh37 (hg19) VCF-style: chr13-32973079-G-A.
Identifiers: ClinVar variation 311664 (VCV000311664.36), dbSNP rs574944914, ClinGen allele CA10634119.

ClinVar aggregate classification (germline): Conflicting classifications of pathogenicity. Review status: criteria provided, conflicting classifications (1 of 4 stars). 3 submissions from 2 submitters: Uncertain significance (2); Likely benign (1). Last evaluated 2022-05-01.

Conditions:
Breast-ovarian cancer, familial, susceptibility to, 2 (BROVCA2). Also called: BRCA2 Hereditary Breast and Ovarian Cancer. Identifiers: Orphanet 145, MedGen C2675520, MONDO:0012933, OMIM 612555. Disease mechanism: loss of function.
Fanconi anemia complementation group D1. Also called: BRCA2-Related Fanconi Anemia. Identifiers: Orphanet 319462, MedGen C1838457, MONDO:0011584, OMIM 605724.

Allele frequency attached by ClinVar (database versions not stated): gnomAD 0.00003; TOPMed 0.00014; 1000 Genomes Project 30x 0.00016; 1000 Genomes Project 0.00020.

Submissions (3):

CeGaT Center for Human Genetics Tuebingen
Classification: Likely benign. Last evaluated: 2022-05-01. Review status: criteria provided, single submitter. Criteria: CeGaT Center For Human Genetics Tuebingen Variant Classification Criteria Version 2. Collection method: clinical testing. Allele origin: germline. Affected: yes. Observed: 1 variant allele.
Comment: BRCA2: BP4

Illumina Laboratory Services, Illumina
Classification: Uncertain significance for Fanconi anemia complementation group D1. Last evaluated: 2018-01-12. Review status: criteria provided, single submitter. Criteria: ICSL Variant Classification Criteria 13 December 2019. Collection method: clinical testing. Allele origin: germline.

Illumina Laboratory Services, Illumina
Classification: Uncertain significance for Breast-ovarian cancer, familial, susceptibility to, 2. Last evaluated: 2018-01-12. Review status: criteria provided, single submitter. Criteria: ICSL Variant Classification Criteria 13 December 2019. Collection method: clinical testing. Allele origin: germline.